The following is an entry in ClinVar:

NM_006662.3(SRCAP):c.7492G>A (p.Ala2498Thr)

Gene: SRCAP (Snf2 related CREBBP activator protein; plus strand). Cytogenetic location: 16p11.2.
Variant type: single nucleotide variant.
Coding change: c.7492G>A on transcript NM_006662.3 (MANE Select); coding-DNA position 7492, G replaced by A.
Protein change: p.Ala2498Thr; replaces alanine 2498 with threonine.
Molecular consequence: missense variant.
Genome position (GRCh38, 1-based): chr16:30,737,532, G>A. VCF-style: chr16-30737532-G-A. GRCh37 (hg19) VCF-style: chr16-30748853-G-A.
Other names: short protein forms A2498T.
Identifiers: ClinVar variation 1936814 (VCV001936814.5), dbSNP rs896385044, ClinGen allele CA280523904.

ClinVar aggregate classification (germline): Uncertain significance (1 of 4 stars; one submission).

Allele frequency attached by ClinVar (database versions not stated): TOPMed below 0.00001.

Submission:

Labcorp Genetics (formerly Invitae), Labcorp
Classification: Uncertain significance. Last evaluated: 2022-06-10. Review status: criteria provided, single submitter. Criteria: Invitae Variant Classification Sherloc (09022015). Collection method: clinical testing. Allele origin: germline.
Comment: This variant is not present in population databases (gnomAD no frequency). This sequence change replaces alanine, which is neutral and non-polar, with threonine, which is neutral and polar, at codon 2498 of the SRCAP protein (p.Ala2498Thr). This variant has not been reported in the literature in individuals affected with SRCAP-related conditions. In summary, the available evidence is currently insufficient to determine the role of this variant in disease. Therefore, it has been classified as a Variant of Uncertain Significance. Algorithms developed to predict the effect of missense changes on protein structure and function output the following: SIFT: "Deleterious"; PolyPhen-2: "Not Available"; Align-GVGD: "Class C0". The threonine amino acid residue is found in multiple mammalian species, which suggests that this missense change does not adversely affect protein function.